The following is an entry in ClinVar:

ClinVar aggregate classification (germline): Uncertain significance. Review status: criteria provided, multiple submitters, no conflicts (2 of 4 stars). 4 submissions from 4 submitters: Uncertain significance (3). 1 of the submissions does not count toward it. Last evaluated 2025-02-20.

Conditions:
MID2-related disorder. Also called: MID2-related condition.

Allele frequency attached by ClinVar (database versions not stated): ExAC 0.00008; ESP Exome Variant Server 0.00009; gnomAD exomes 0.00009; gnomAD 0.00015 and 0.00016; TOPMed 0.00023.
gnomAD v4.1: 52 of 1,208,482 alleles (0.0043%); highest among the groups gnomAD compares: African/African-American, 0.063%; no homozygotes.

Submissions (4):

Ambry Genetics
Classification: Uncertain significance. Last evaluated: 2025-02-20. Review status: criteria provided, single submitter. Criteria: Ambry Variant Classification Scheme 2023. Collection method: clinical testing. Allele origin: germline.

Genetic Services Laboratory, University of Chicago
Classification: Uncertain significance. Last evaluated: 2016-11-01. Review status: criteria provided, single submitter. Criteria: ACMG Guidelines, 2015. Collection method: clinical testing. Allele origin: germline. Affected: no.

Breakthrough Genomics
Classification: Uncertain significance. Review status: criteria provided, single submitter. Criteria: ACMG Guidelines, 2015. Collection method: not provided. Allele origin: germline. Inheritance: X-linked recessive inheritance. Affected: yes.

PreventionGenetics, part of Exact Sciences
Classification: Likely benign for MID2-related condition. Last evaluated: 2022-02-03. Review status: no assertion criteria provided. Collection method: clinical testing. Allele origin: germline. Not counted in ClinVar's aggregate classification.
Comment: This variant is classified as likely benign based on ACMG/AMP sequence variant interpretation guidelines (Richards et al. 2015 PMID: 25741868, with internal and published modifications).

NM_012216.4(MID2):c.2144G>A (p.Arg715Gln)

Genes: MID2 (midline 2; plus strand), LOC101928335 (uncharacterized LOC101928335; minus strand). Cytogenetic location: Xq22.3.
Variant type: single nucleotide variant.
Coding change: c.2144G>A on transcript NM_012216.4 (MANE Select); coding-DNA position 2144, G replaced by A.
Protein change: p.Arg715Gln; replaces arginine 715 with glutamine.
Molecular consequence: missense variant.
Genome position (GRCh38, 1-based): chrX:107,927,009, G>A. VCF-style: chrX-107927009-G-A. GRCh37 (hg19) VCF-style: chrX-107170239-G-A.
Other names: c.2054G>A, p.Arg685Gln (NM_052817.3); short protein forms R715Q, R685Q.
Identifiers: ClinVar variation 435871 (VCV000435871.10), dbSNP rs370198556, ClinGen allele CA10486250.